The following is an entry in ClinVar:

NM_001142800.2(EYS):c.5666del (p.Tyr1889fs)

Gene: EYS (EGF-like photoreceptor maintenance factor; minus strand). Cytogenetic location: 6q12.
Variant type: Deletion.
Coding change: c.5666del on transcript NM_001142800.2 (MANE Select); coding-DNA position 5666, one base deleted (A; older notation c.5666delA).
Protein change: p.Tyr1889fs; shifts the reading frame from tyrosine 1889.
Molecular consequence: frameshift variant.
Genome position (GRCh38, 1-based): chr6:64,439,331, T deleted on the plus strand (A on the coding strand, the reverse complement: EYS is on the minus strand). VCF-style (leftmost placement, unchanged base first): chr6-64439330-AT-A. GRCh37 (hg19) VCF-style: chr6-65149223-AT-A.
Other names: c.5666del, p.Tyr1889fs (NM_001292009.2); c.5666del (NM_001142800.1); short protein forms Y1889fs.
Identifiers: ClinVar variation 2503491 (VCV002503491.4), dbSNP rs2533226453, ClinGen allele CA2580617283.
Genomic context (GRCh38, chr6:64,439,330, plus strand): 5'-TAGGGAGATGTTATTTTGTGGATTTAAAGCCACATTCTGAAATTCTAGATAAGAATCTCC[AT>A]AATAACGAACACAACTGAAATCTGTGGAGTCAGAAAGAAAATACAATTTAGGTTGAAATA-3'

ClinVar aggregate classification (germline): Pathogenic. Review status: criteria provided, multiple submitters, no conflicts (2 of 4 stars). 4 submissions from 4 submitters: Pathogenic (4). Last evaluated 2025-08-25.

Conditions:
Retinitis pigmentosa 25 (RP25). Identifiers: Orphanet 791, MedGen C1864446, MONDO:0011272, OMIM 602772.
Retinal dystrophy. Also called: Inherited retinal dystrophy. Identifiers: Orphanet 71862, MedGen C0854723, MeSH D058499, MONDO:0019118, HP:0000556.
EYS-related disorder. Also called: EYS-related condition.

Submissions (4):

Natera, Inc.
Classification: Pathogenic for Retinitis pigmentosa type 25. Last evaluated: 2025-08-25. Review status: criteria provided, single submitter. Criteria: Natera Variant Classification Schema (03/2026). Collection method: clinical testing. Allele origin: germline.
Comment: The c.5666del variant in EYS is a frameshift variant predicted to shift the reading frame beginning at codon 1889 and leads to a stop codon 6 codons downstream. This variant is expected to result in nonsense mediated decay, truncation, or a dysfunctional protein product. This variant is rare in the general population with a frequency below the threshold expected for the associated phenotype(s). This variant has been observed in one or more individuals affected with the associated recessive disease, as either homozygous or compound heterozygous with a second variant (PMID: 29159838). Given the available evidence, this variant is classified as Pathogenic.

Institute of Medical Genetics and Applied Genomics, University Hospital Tübingen
Classification: Pathogenic for Retinitis pigmentosa 25. Last evaluated: 2023-06-01. Review status: criteria provided, single submitter. Criteria: ACMG Guidelines, 2015. Collection method: clinical testing. Allele origin: germline. Inheritance: Autosomal recessive inheritance. Affected: yes.

Institute of Human Genetics, Univ. Regensburg, Univ. Regensburg
Classification: Pathogenic for Retinal dystrophy. Last evaluated: 2022-01-01. Review status: criteria provided, single submitter. Criteria: ACMG Guidelines, 2015. Collection method: clinical testing. Allele origin: germline. Affected: yes.

Blueprint Genetics
Classification: Pathogenic for EYS-related disorders. Last evaluated: 2020-03-10. Review status: criteria provided, single submitter. Criteria: ACMG Guidelines, 2015. Collection method: clinical testing. Allele origin: germline. Affected: yes. Observed: 1 variant allele.

Literature cited by the submitters: PubMed 29159838 (cited by Natera, Inc. and Institute of Human Genetics, Univ. Regensburg, Univ. Regensburg); PubMed 3253185 (cited by Institute of Human Genetics, Univ. Regensburg, Univ. Regensburg).